The following is an entry in ClinVar:

NM_003632.3(CNTNAP1):c.1418C>T (p.Pro473Leu)

Gene: CNTNAP1 (contactin associated protein 1; plus strand). Cytogenetic location: 17q21.2.
Variant type: single nucleotide variant.
Coding change: c.1418C>T on transcript NM_003632.3 (MANE Select); coding-DNA position 1418, C replaced by T.
Protein change: p.Pro473Leu; replaces proline 473 with leucine.
Molecular consequence: missense variant.
Genome position (GRCh38, 1-based): chr17:42,688,573, C>T. VCF-style: chr17-42688573-C-T. GRCh37 (hg19) VCF-style: chr17-40840591-C-T.
Other names: p.Pro473Leu; short protein forms P473L.
Identifiers: ClinVar variation 2683420 (VCV002683420.1), dbSNP rs763174357, ClinGen allele CA8581780.

ClinVar aggregate classification (germline): Uncertain significance (1 of 4 stars; one submission).

Allele frequency attached by ClinVar (database versions not stated): gnomAD exomes 0.00001; TOPMed 0.00002; ExAC 0.00003; gnomAD 0.00003.
gnomAD v4.1: 26 of 1,614,022 alleles (0.0016%); highest among the groups gnomAD compares: African/African-American, 0.0027%; no homozygotes.

Submission:

Mayo Clinic Laboratories, Mayo Clinic
Classification: Uncertain significance. Last evaluated: 2023-01-04. Review status: criteria provided, single submitter. Criteria: ACMG Guidelines, 2015. Collection method: clinical testing. Allele origin: germline. Observed: 1 variant allele.
Comment: PM2